The following is an entry in ClinVar:

NM_000069.3(CACNA1S):c.5495T>C (p.Leu1832Pro)

Gene: CACNA1S (calcium voltage-gated channel subunit alpha1 S; minus strand). Cytogenetic location: 1q32.1.
Variant type: single nucleotide variant.
Coding change: c.5495T>C on transcript NM_000069.3 (MANE Select); coding-DNA position 5495, T replaced by C.
Protein change: p.Leu1832Pro; replaces leucine 1832 with proline.
Molecular consequence: missense variant.
Genome position (GRCh38, 1-based): chr1:201,039,958, A>G on the plus strand (T>C on the coding strand, the complement: CACNA1S is on the minus strand). VCF-style: chr1-201039958-A-G. GRCh37 (hg19) VCF-style: chr1-201009086-A-G.
Other names: short protein forms L1832P.
Identifiers: ClinVar variation 3069561 (VCV003069561.1), dbSNP rs1660068904, ClinGen allele CA344128868.
Genomic context (GRCh38, chr1:201,039,958, plus strand): 5'-CCGAGGTTCAGGCATCCCAGGGAGCTGGCCATGCCCTCTGGGGCCTCTCGTCCTTTCAGT[A>G]GCTCTGTTGCCATGATCTCCACTTCCTCTGGTTCCATTTGGCAGGCATCTGCCAGGGCCT-3'
Protein context (NP_000060.2, residues 1822-1842): PEEVEIMATE[Leu1832Pro]LKGREAPEGM

ClinVar aggregate classification (germline): Uncertain significance (1 of 4 stars; one submission).

Conditions:
Malignant hyperthermia, susceptibility to, 5 (MHS5). Also called: CACNA1S-Related Malignant Hyperthermia Susceptibility. Identifiers: Orphanet 423, MedGen C1866077, MONDO:0011163, OMIM 601887.

Submission:

All of Us Research Program, National Institutes of Health
Classification: Uncertain significance for Malignant hyperthermia, susceptibility to, 5. Last evaluated: 2023-02-24. Review status: criteria provided, single submitter. Criteria: ACMG Guidelines, 2015. Collection method: clinical testing. Allele origin: germline. Inheritance: Autosomal dominant inheritance. Observed: 1 variant allele, 1 heterozygote.
Comment: This missense variant replaces leucine with proline at codon 1832 of the CACNA1S protein. Computational prediction suggests that this variant may not impact protein structure and function (internally defined REVEL score threshold <= 0.5, PMID: 27666373). To our knowledge, functional studies have not been reported for this variant. This variant has not been reported in individuals affected with CACNA1S-related disorders in the literature. This variant has not been identified in the general population by the Genome Aggregation Database (gnomAD). The available evidence is insufficient to determine the role of this variant in disease conclusively. Therefore, this variant is classified as a Variant of Uncertain Significance.

This study involves interpretation of variants in research participants for the purpose of population health screening. Participant phenotype was not available at the time of variant classification. Additional details can be found in publication PMID: 35346344, PMCID: PMC8962531